The following is an entry in ClinVar:

ClinVar aggregate classification (germline): Uncertain significance. Review status: criteria provided, multiple submitters, no conflicts (2 of 4 stars). 7 submissions from 7 submitters: Uncertain significance (7). Last evaluated 2025-11-28.

Conditions:
PTCH1-related disorder. Also called: PTCH1-related disorders; PTCH1-related condition.
Basal cell carcinoma, susceptibility to, 1. Also called: BCC1. Identifiers: MedGen C2751544, MONDO:0011556, OMIM 605462.
Gorlin syndrome. Also called: Basal cell nevus syndrome; Nevoid Basal Cell Carcinoma Syndrome. Identifiers: Orphanet 377, MedGen C0004779, MONDO:0007187.
Hereditary cancer-predisposing syndrome. Also called: Neoplastic Syndromes, Hereditary; Hereditary Cancer Syndrome; Tumor predisposition; Hereditary neoplastic syndrome. Identifiers: Orphanet 140162, MedGen C0027672, MeSH D009386, MONDO:0015356.

Submissions (7):

PreventionGenetics, part of Exact Sciences
Classification: Uncertain significance for PTCH1-related condition. Last evaluated: 2025-11-28. Review status: criteria provided, single submitter. Criteria: ACMG Guidelines, 2015. Collection method: clinical testing. Allele origin: germline.
Comment: The PTCH1 c.3921dupC variant is predicted to result in a frameshift and premature protein termination (p.Arg1308Glnfs*17). This variant occurs in the last coding exon and it is unclear if the resulting mRNA would undergo nonsense-mediated decay. This variant has been reported in a pediatric patient with neuroblastoma (von Stedingk et al. 2021. PubMed ID: 33674644). This variant is reported in 0.0036% of alleles in individuals of European (Non-Finnish) descent in gnomAD. Although we suspect that this variant may be pathogenic, at this time, the clinical significance of this variant is uncertain due to the absence of conclusive functional and genetic evidence.

Labcorp Genetics (formerly Invitae), Labcorp
Classification: Uncertain significance for Gorlin syndrome. Last evaluated: 2025-04-01. Review status: criteria provided, single submitter. Criteria: Invitae Variant Classification Sherloc (09022015). Collection method: clinical testing. Allele origin: germline.
Comment: This sequence change creates a premature translational stop signal (p.Arg1308Glnfs*17) in the PTCH1 gene. While this is not anticipated to result in nonsense mediated decay, it is expected to disrupt the last 140 amino acid(s) of the PTCH1 protein. The frequency data for this variant in the population databases is considered unreliable, as metrics indicate poor data quality at this position in the gnomAD database. This premature translational stop signal has been observed in individual(s) with neuroblastoma (PMID: 33674644). ClinVar contains an entry for this variant (Variation ID: 824386). Experimental studies and prediction algorithms are not available or were not evaluated, and the functional significance of this variant is currently unknown. In summary, the available evidence is currently insufficient to determine the role of this variant in disease. Therefore, it has been classified as a Variant of Uncertain Significance.

Women's Health and Genetics/Laboratory Corporation of America, LabCorp
Classification: Uncertain significance. Last evaluated: 2024-12-09. Review status: criteria provided, single submitter. Criteria: LabCorp Variant Classification Summary - May 2015. Collection method: clinical testing. Allele origin: germline.
Comment: Variant summary: PTCH1 c.3921dupC (p.Arg1308GlnfsX17) results in a premature termination codon, predicted to cause a truncation of the encoded protein. The frequency data for this variant in gnomAD is considered unreliable, as metrics indicate poor data quality at this position. To our knowledge, no occurrence of c.3921dupC in individuals affected with Nevoid Basal Cell Carcinoma Syndrome (Gorlin Syndrome) and no experimental evidence demonstrating its impact on protein function have been reported. ClinVar contains an entry for this variant (Variation ID: 824386). Based on the evidence outlined above, the variant was classified as VUS.

Baylor Genetics
Classification: Uncertain significance for Basal cell carcinoma, susceptibility to, 1. Last evaluated: 2024-03-25. Review status: criteria provided, single submitter. Criteria: ACMG Guidelines, 2015. Collection method: clinical testing. Allele origin: unknown.

Clinical Genetics Laboratory, Skane University Hospital Lund
Classification: Uncertain significance. Last evaluated: 2023-12-06. Review status: criteria provided, single submitter. Criteria: ACMG Guidelines, 2015. Collection method: clinical testing. Allele origin: germline. Affected: yes.

Ambry Genetics
Classification: Uncertain significance for Hereditary cancer-predisposing syndrome. Last evaluated: 2023-10-16. Review status: criteria provided, single submitter. Criteria: Ambry Variant Classification Scheme 2023. Collection method: clinical testing. Allele origin: germline.
Comment: The c.3921dupC variant, located in coding exon 23 of the PTCH1 gene, results from a duplication of C at nucleotide position 3921, causing a translational frameshift with a predicted alternate stop codon (p.R1308Qfs*17). This alteration occurs at the 3' terminus of the PTCH1 gene, is not expected to trigger nonsense-mediated mRNA decay, and only impacts the last 140 amino acids of the protein. The exact functional effect of this alteration is unknown. This variant has been reported as a germline alteration in one individual with neuroblastoma from a cohort of 790 pediatric cancer cases from Sweden (von Stedingk K et al. Sci Rep, 2021 Mar;11:5307). Since supporting evidence is limited at this time, the clinical significance of this alteration remains unclear.

GeneDx
Classification: Uncertain significance. Last evaluated: 2023-06-02. Review status: criteria provided, single submitter. Criteria: GeneDx Variant Classification Process June 2021. Collection method: clinical testing. Allele origin: germline. Affected: yes.
Comment: Observed in an individual with neuroblastoma (von Stedingk et al., 2021); Frameshift variant predicted to result in protein truncation as the last 140 amino acids are replaced with 16 different amino acids, although loss-of-function variants have not been reported downstream of this position in the protein; Not observed at significant frequency in large population cohorts (gnomAD); This variant is associated with the following publications: (PMID: 33674644)

Literature cited by the submitters: PubMed 33674644 (cited by Labcorp Genetics (formerly Invitae), Labcorp and Ambry Genetics).

NM_000264.5(PTCH1):c.3921dup (p.Arg1308fs)

Gene: PTCH1 (patched 1; minus strand). Cytogenetic location: 9q22.32.
Variant type: Duplication.
Coding change: c.3921dup on transcript NM_000264.5 (MANE Select); coding-DNA position 3921, one base duplicated (C; older notation c.3921dupC).
Protein change: p.Arg1308fs; shifts the reading frame from arginine 1308.
Molecular consequence: frameshift variant. On other transcripts: non-coding transcript variant (1).
Genome position (GRCh38, 1-based): chr9:95,447,335, G duplicated on the plus strand (C on the coding strand, the reverse complement: PTCH1 is on the minus strand); the first of 7 consecutive G bases (chr9:95,447,335-95,447,341); duplicating any one gives the same sequence. VCF-style (leftmost placement, unchanged base first): chr9-95447334-T-TG. GRCh37 (hg19) VCF-style: chr9-98209616-T-TG.
Other names: c.3921dupC (NM_000264.3, NM_000264.5); c.3723dup, p.Arg1242fs (NM_001083602.3); c.3918dup, p.Arg1307fs (NM_001083603.3); c.3468dup, p.Arg1157fs (NM_001083604.3, NM_001083605.3, NM_001083606.3 and 1 more transcripts); c.3765dup, p.Arg1256fs (NM_001354918.2); short protein forms R1157fs, R1308fs, R1256fs, R1307fs, R1242fs.
Identifiers: ClinVar variation 824386 (VCV000824386.20), dbSNP rs761353734, ClinGen allele CA5138002.